The following is an entry in ClinVar:

NM_001197104.2(KMT2A):c.6710C>T (p.Thr2237Ile)

Gene: KMT2A (lysine methyltransferase 2A; plus strand). Cytogenetic location: 11q23.3.
Variant type: single nucleotide variant.
Coding change: c.6710C>T on transcript NM_001197104.2 (MANE Select); coding-DNA position 6710, C replaced by T.
Protein change: p.Thr2237Ile; replaces threonine 2237 with isoleucine.
Molecular consequence: missense variant.
Genome position (GRCh38, 1-based): chr11:118,502,602, C>T. VCF-style: chr11-118502602-C-T. GRCh37 (hg19) VCF-style: chr11-118373317-C-T.
Other names: c.6800C>T, p.Thr2267Ile (NM_001412597.1); c.6701C>T, p.Thr2234Ile (NM_005933.4); short protein forms T2234I, T2237I, T2267I.
Identifiers: ClinVar variation 3634334 (VCV003634334.2).
Genomic context (GRCh38, chr11:118,502,602, plus strand): 5'-GAACTGGGAATACTTACTCTAGGAATAATGTTTCCTCAGTCTCCACCACCGGGACCGCTA[C>T]TGATCTTGAATCAAGTGCCAAAGTAGTTGATCATGTCTTAGGGCCACTGAATTCAAGTAC-3'
Protein context (NP_001184033.1, residues 2227-2247): VSSVSTTGTA[Thr2237Ile]DLESSAKVVD

ClinVar aggregate classification (germline): Uncertain significance (1 of 4 stars; one submission).

gnomAD v4.1: 1 of 1,614,210 alleles (0.000062%); highest among the groups gnomAD compares: South Asian, 0.0011%; no homozygotes.

Submission:

Labcorp Genetics (formerly Invitae), Labcorp
Classification: Uncertain significance. Last evaluated: 2024-05-04. Review status: criteria provided, single submitter. Criteria: Invitae Variant Classification Sherloc (09022015). Collection method: clinical testing. Allele origin: germline.
Comment: This sequence change replaces threonine, which is neutral and polar, with isoleucine, which is neutral and non-polar, at codon 2237 of the KMT2A protein (p.Thr2237Ile). This variant is not present in population databases (gnomAD no frequency). This variant has not been reported in the literature in individuals affected with KMT2A-related conditions. Advanced modeling of protein sequence and biophysical properties (such as structural, functional, and spatial information, amino acid conservation, physicochemical variation, residue mobility, and thermodynamic stability) performed at Invitae indicates that this missense variant is not expected to disrupt KMT2A protein function with a negative predictive value of 95%. In summary, the available evidence is currently insufficient to determine the role of this variant in disease. Therefore, it has been classified as a Variant of Uncertain Significance.